The following is an entry in ClinVar:

NM_001105206.3(LAMA4):c.1817+1G>A

Gene: LAMA4 (laminin subunit alpha 4; minus strand). Cytogenetic location: 6q21.
Variant type: single nucleotide variant.
Coding change: c.1817+1G>A on transcript NM_001105206.3 (MANE Select); the canonical splice donor site of the intron after coding-DNA position 1817, G replaced by A.
Molecular consequence: splice donor variant.
Genome position (GRCh38, 1-based): chr6:112,158,731, C>T on the plus strand (G>A on the coding strand, the complement: LAMA4 is on the minus strand). VCF-style: chr6-112158731-C-T. GRCh37 (hg19) VCF-style: chr6-112479933-C-T.
Other names: c.1796+1G>A (NM_002290.5, NM_001105207.3).
Identifiers: ClinVar variation 3391687 (VCV003391687.1).

ClinVar aggregate classification (germline): Uncertain significance (1 of 4 stars; one submission).

Submission:

GeneDx
Classification: Uncertain significance. Last evaluated: 2024-06-18. Review status: criteria provided, single submitter. Criteria: GeneDx Variant Classification Process June 2021. Collection method: clinical testing. Allele origin: germline. Affected: yes.
Comment: Not observed at significant frequency in large population cohorts (gnomAD); Canonical splice site variant in a gene or region of a gene for which loss of function is not a well-established mechanism of disease; Has not been previously published as pathogenic or benign to our knowledge